The following is an entry in ClinVar:

NM_178554.6(KY):c.141C>T (p.Phe47=)

Genes: CEP63 (centrosomal protein 63; plus strand), KY (kyphoscoliosis peptidase; minus strand). Cytogenetic location: 3q22.2.
Variant type: single nucleotide variant.
Coding change: c.141C>T on transcript NM_178554.6 (MANE Select); coding-DNA position 141, C replaced by T.
Protein change: p.Phe47=; no amino-acid change (phenylalanine 47 retained).
Molecular consequence: synonymous variant. On other transcripts: intron variant (1).
Genome position (GRCh38, 1-based): chr3:134,647,493, G>A on the plus strand (C>T on the coding strand, the complement: KY is on the minus strand). VCF-style: chr3-134647493-G-A. GRCh37 (hg19) VCF-style: chr3-134366335-G-A.
Other names: c.141C>T, p.Phe47= (NM_001350859.2, NM_001366276.1, NM_001366277.2); c.136+3332C>T (NM_001350860.2).
Identifiers: ClinVar variation 5041523 (VCV005041523.1).

ClinVar aggregate classification (germline): Likely benign (1 of 4 stars; one submission).

Submission:

CeGaT Center for Human Genetics Tuebingen
Classification: Likely benign. Last evaluated: 2026-09-01. Review status: criteria provided, single submitter. Criteria: CeGaT Center For Human Genetics Tuebingen Variant Classification Criteria Version 2. Collection method: clinical testing. Allele origin: germline. Affected: yes. Observed: 1 variant allele.
Comment: KY: PM2:Supporting, BP4, BP7